The following is an entry in ClinVar:

NM_017780.4(CHD7):c.8834G>A (p.Gly2945Glu)

Gene: CHD7 (chromodomain helicase DNA binding protein 7; plus strand). Cytogenetic location: 8q12.2.
Variant type: single nucleotide variant.
Coding change: c.8834G>A on transcript NM_017780.4 (MANE Select); coding-DNA position 8834, G replaced by A.
Protein change: p.Gly2945Glu; replaces glycine 2945 with glutamic acid.
Molecular consequence: missense variant.
Genome position (GRCh38, 1-based): chr8:60,865,773, G>A. VCF-style: chr8-60865773-G-A. GRCh37 (hg19) VCF-style: chr8-61778332-G-A.
Other names: c.2687G>A, p.Gly896Glu (NM_001316690.1); c.8834G>A (NM_017780.3); short protein forms G2945E, G896E.
Identifiers: ClinVar variation 2190574 (VCV002190574.5), dbSNP rs2488153381, ClinGen allele CA371312379.

ClinVar aggregate classification (germline): Uncertain significance. Review status: criteria provided, multiple submitters, no conflicts (2 of 4 stars). 2 submissions from 2 submitters: Uncertain significance (2). Last evaluated 2023-02-26.

Conditions:
CHD7-related disorder. Also called: CHD7-related condition.
CHARGE syndrome (CHARGE). Also called: Hittner Hirsch Kreh syndrome; CHARGE ASSOCIATION--COLOBOMA, HEART ANOMALY, CHOANAL ATRESIA, RETARDATION, GENITAL AND EAR ANOMALIES; Coloboma, heart anomaly, choanal atresia, retardation, genital and ear anomalies; CHARGE association; Hall-Hittner syndrome. Identifiers: Orphanet 138, MedGen C0265354, MONDO:0008965.

Submissions (2):

PreventionGenetics, part of Exact Sciences
Classification: Uncertain significance for CHD7-related condition. Last evaluated: 2023-02-26. Review status: criteria provided, single submitter. Criteria: ACMG Guidelines, 2015. Collection method: clinical testing. Allele origin: germline.
Comment: The CHD7 c.8834G>A variant is predicted to result in the amino acid substitution p.Gly2945Glu. To our knowledge, this variant has not been reported in the literature or in a large population database, indicating this variant is rare. At this time, the clinical significance of this variant is uncertain due to the absence of conclusive functional and genetic evidence.

Labcorp Genetics (formerly Invitae), Labcorp
Classification: Uncertain significance for CHARGE syndrome. Last evaluated: 2022-05-30. Review status: criteria provided, single submitter. Criteria: Invitae Variant Classification Sherloc (09022015). Collection method: clinical testing. Allele origin: germline.
Comment: Advanced modeling of protein sequence and biophysical properties (such as structural, functional, and spatial information, amino acid conservation, physicochemical variation, residue mobility, and thermodynamic stability) performed at Invitae indicates that this missense variant is not expected to disrupt CHD7 protein function. This sequence change replaces glycine, which is neutral and non-polar, with glutamic acid, which is acidic and polar, at codon 2945 of the CHD7 protein (p.Gly2945Glu). This variant is not present in population databases (gnomAD no frequency). This variant has not been reported in the literature in individuals affected with CHD7-related conditions. In summary, the available evidence is currently insufficient to determine the role of this variant in disease. Therefore, it has been classified as a Variant of Uncertain Significance.